The following is an entry in ClinVar:

ClinVar aggregate classification (germline): Pathogenic (1 of 4 stars; one submission).

Submission:

Labcorp Genetics (formerly Invitae), Labcorp
Classification: Pathogenic. Last evaluated: 2021-06-11. Review status: criteria provided, single submitter. Criteria: Invitae Variant Classification Sherloc (09022015). Collection method: clinical testing. Allele origin: germline.
Comment: For these reasons, this variant has been classified as Pathogenic. Loss-of-function variants in EYS are known to be pathogenic (PMID: 18836446, 20333770). This variant has not been reported in the literature in individuals with EYS-related conditions. This variant is an out-of-frame deletion of the genomic region encompassing exons 23-26 of the EYS gene. This is expected to create a premature translational stop signal and result in an absent or disrupted protein product.

Literature cited by the submitters: PubMed 18836446; PubMed 20333770.

NC_000006.12:g.(?_64590213)_(64626255_?)del

Gene: EYS (eyes shut homolog; minus strand). Cytogenetic location: 6q12.
Variant type: Deletion.
Identifiers: ClinVar variation 833171 (VCV000833171.5).